The following is an entry in ClinVar:

ClinVar aggregate classification (germline): Uncertain significance (1 of 4 stars; one submission).

Allele frequency attached by ClinVar (database versions not stated): ExAC 0.00001; gnomAD 0.00001; gnomAD exomes 0.00001; TOPMed 0.00001.
gnomAD v4.1: 12 of 1,613,616 alleles (0.00074%); highest among the groups gnomAD compares: Non-Finnish European, 0.001%; no homozygotes.

Submission:

GeneDx
Classification: Uncertain significance. Last evaluated: 2022-10-29. Review status: criteria provided, single submitter. Criteria: GeneDx Variant Classification Process June 2021. Collection method: clinical testing. Allele origin: germline. Affected: yes.
Comment: Not observed at significant frequency in large population cohorts (gnomAD); In silico analysis supports that this missense variant does not alter protein structure/function; Has not been previously published as pathogenic or benign to our knowledge

NM_000144.5(FXN):c.404A>G (p.Lys135Arg)

Gene: FXN (frataxin; plus strand). Cytogenetic location: 9q21.11.
Variant type: single nucleotide variant.
Coding change: c.404A>G on transcript NM_000144.5 (MANE Select); coding-DNA position 404, A replaced by G.
Protein change: p.Lys135Arg; replaces lysine 135 with arginine.
Molecular consequence: missense variant.
Genome position (GRCh38, 1-based): chr9:69,064,957, A>G. VCF-style: chr9-69064957-A-G. GRCh37 (hg19) VCF-style: chr9-71679873-A-G.
Other names: c.404A>G, p.Lys135Arg (NM_181425.3); short protein forms K135R.
Identifiers: ClinVar variation 2500463 (VCV002500463.1), dbSNP rs771963647, ClinGen allele CA5072747.
Genomic context (GRCh38, chr9:69,064,957, plus strand): 5'-GTTTTAATTTCTTTATGCTTTTTTTCCACCTAATCCCCTAGAGTGGTGTCTTAACTGTCA[A>G]ACTGGGTGGAGATCTAGGAACCTATGTGATCAACAAGCAGACGCCAAACAAGCAAATCTG-3'
Protein context (NP_000135.2, residues 125-145): VSFGSGVLTV[Lys135Arg]LGGDLGTYVI